The following is an entry in ClinVar:

ClinVar aggregate classification (germline): Uncertain significance (1 of 4 stars; one submission).

Conditions:
Autosomal recessive limb-girdle muscular dystrophy type 2J (LGMDR10). Also called: Limb-girdle muscular dystrophy, type 2J; MUSCULAR DYSTROPHY, LIMB-GIRDLE, AUTOSOMAL RECESSIVE 10. Identifiers: Orphanet 140922, MedGen C1837342, MONDO:0012127, OMIM 608807.
Dilated cardiomyopathy 1G (CMD1G). Identifiers: Orphanet 154, MedGen C1858763, MONDO:0011400, OMIM 604145.

gnomAD v4.1: 1 of 1,614,022 alleles (0.000062%); highest among the groups gnomAD compares: East Asian, 0.0022%; no homozygotes.

Submission:

Labcorp Genetics (formerly Invitae), Labcorp
Classification: Uncertain significance for Dilated cardiomyopathy 1G; Autosomal recessive limb-girdle muscular dystrophy type 2J. Last evaluated: 2025-02-06. Review status: criteria provided, single submitter. Criteria: Invitae Variant Classification Sherloc (09022015). Collection method: clinical testing. Allele origin: germline.
Comment: This sequence change replaces serine, which is neutral and polar, with tyrosine, which is neutral and polar, at codon 35077 of the TTN protein (p.Ser35077Tyr). This variant is not present in population databases (gnomAD no frequency). This variant has not been reported in the literature in individuals affected with TTN-related conditions. Experimental studies and prediction algorithms are not available or were not evaluated, and the functional significance of this variant is currently unknown. This variant is located in the M band of TTN (PMID: 25589632). Non-truncating variants in this region may be relevant for neuromuscular disorders, but have not been definitively shown to cause cardiomyopathy (PMID: 23975875). In summary, the available evidence is currently insufficient to determine the role of this variant in disease. Therefore, it has been classified as a Variant of Uncertain Significance.

Literature cited by the submitters: PubMed 25589632; PubMed 23975875.

NM_001267550.2(TTN):c.105230C>A (p.Ser35077Tyr)

Genes: TTN-AS1 (TTN antisense RNA 1; plus strand), TTN (titin; minus strand). Cytogenetic location: 2q31.2.
Variant type: single nucleotide variant.
Coding change: c.105230C>A on transcript NM_001267550.2 (MANE Select); coding-DNA position 105230, C replaced by A.
Protein change: p.Ser35077Tyr; replaces serine 35077 with tyrosine.
Molecular consequence: missense variant.
Genome position (GRCh38, 1-based): chr2:178,531,385, G>T on the plus strand (C>A on the coding strand, the complement: TTN is on the minus strand). VCF-style: chr2-178531385-G-T. GRCh37 (hg19) VCF-style: chr2-179396112-G-T.
Other names: c.100307C>A, p.Ser33436Tyr (NM_001256850.1); c.78035C>A, p.Ser26012Tyr (NM_003319.4); c.97526C>A, p.Ser32509Tyr (NM_133378.4); c.78410C>A, p.Ser26137Tyr (NM_133432.3); c.78611C>A, p.Ser26204Tyr (NM_133437.4); short protein forms S26204Y, S26137Y, S35077Y, S26012Y, S32509Y, S33436Y.
Identifiers: ClinVar variation 4790959 (VCV004790959.1).
Genomic context (GRCh38, chr2:178,531,385, plus strand): 5'-TCATATGAGGAGAGACTTTCCCTTGTCTCCGTCATCTGTGATTTCACTTCCCTGACAGAA[G>T]ACGAAGCTTCCATCTCAGATGTTTTCTTAAATGATGAAACAGCATACGCCTCTGTTCTTG-3'
Protein context (NP_001254479.2, residues 35067-35087): FKKTSEMEAS[Ser35077Tyr]SVREVKSQMT